The following is an entry in ClinVar:

NM_000548.5(TSC2):c.1407G>A (p.Leu469=)

Gene: TSC2 (TSC complex subunit 2; plus strand). Cytogenetic location: 16p13.3.
Variant type: single nucleotide variant.
Coding change: c.1407G>A on transcript NM_000548.5 (MANE Select); coding-DNA position 1407, G replaced by A.
Protein change: p.Leu469=; no amino-acid change (leucine 469 retained).
Molecular consequence: synonymous variant.
Genome position (GRCh38, 1-based): chr16:2,063,017, G>A. VCF-style: chr16-2063017-G-A. GRCh37 (hg19) VCF-style: chr16-2113018-G-A.
Other names: c.1407G>A, p.Leu469= (NM_001077183.3, NM_001114382.3, NM_001363528.2 and 3 more transcripts); c.1296G>A, p.Leu432= (NM_001318827.2); c.1260G>A, p.Leu420= (NM_001318829.2); c.807G>A, p.Leu269= (NM_001318831.2); c.1440G>A, p.Leu480= (NM_001318832.2).
Identifiers: ClinVar variation 1115980 (VCV001115980.12), dbSNP rs1458720483, ClinGen allele CA492962560.

ClinVar aggregate classification (germline): Benign/Likely benign. Review status: criteria provided, multiple submitters, no conflicts (2 of 4 stars). 3 submissions from 3 submitters: Benign (1); Likely benign (2). Last evaluated 2025-05-14.

Conditions:
Hereditary cancer-predisposing syndrome. Also called: Neoplastic Syndromes, Hereditary; Hereditary Cancer Syndrome; Hereditary neoplastic syndrome; Tumor predisposition. Identifiers: Orphanet 140162, MedGen C0027672, MeSH D009386, MONDO:0015356.
Tuberous sclerosis 2 (TSC2). Identifiers: Orphanet 805, MedGen C1860707, MONDO:0013199, OMIM 613254.

Allele frequency attached by ClinVar (database versions not stated): gnomAD 0.00001; gnomAD exomes 0.00003.
gnomAD v4.1: 11 of 1,551,410 alleles (0.00071%); highest among the groups gnomAD compares: Non-Finnish European, 0.000087%; no homozygotes.

Submissions (3):

Myriad Genetics, Inc.
Classification: Benign for Tuberous sclerosis 2. Last evaluated: 2025-05-14. Review status: criteria provided, single submitter. Criteria: Myriad Autosomal Dominant, Autosomal Recessive and X-Linked Classification Criteria (2023). Collection method: clinical testing. Allele origin: unknown.
Comment: This variant is considered benign. This variant is a silent/synonymous amino acid change and it is not expected to impact splicing.

Labcorp Genetics (formerly Invitae), Labcorp
Classification: Likely benign for Tuberous sclerosis 2. Last evaluated: 2024-12-23. Review status: criteria provided, single submitter. Criteria: Invitae Variant Classification Sherloc (09022015). Collection method: clinical testing. Allele origin: germline.

Ambry Genetics
Classification: Likely benign for Hereditary cancer-predisposing syndrome. Last evaluated: 2021-11-08. Review status: criteria provided, single submitter. Criteria: Ambry Variant Classification Scheme 2023. Collection method: clinical testing. Allele origin: germline.